The following is an entry in ClinVar:

ClinVar aggregate classification (germline): Likely benign (1 of 4 stars; one submission).

Allele frequency attached by ClinVar (database versions not stated): TOPMed 0.00032; ESP Exome Variant Server 0.00054; gnomAD 0.00056; gnomAD exomes 0.00071; ExAC 0.00125; 1000 Genomes Project 0.00160; 1000 Genomes Project 30x 0.00203.
gnomAD v4.1: 1,133 of 1,612,808 alleles (0.07%); highest among the groups gnomAD compares: South Asian, 0.63%; 11 homozygotes.

Submission:

CeGaT Center for Human Genetics Tuebingen
Classification: Likely benign. Last evaluated: 2022-10-01. Review status: criteria provided, single submitter. Criteria: CeGaT Center For Human Genetics Tuebingen Variant Classification Criteria Version 2. Collection method: clinical testing. Allele origin: germline. Affected: yes. Observed: 1 variant allele.
Comment: ADAM8: BP4, BP7

NM_001109.5(ADAM8):c.1488G>A (p.Thr496=)

Gene: ADAM8 (ADAM metallopeptidase domain 8; minus strand). Cytogenetic location: 10q26.3.
Variant type: single nucleotide variant.
Coding change: c.1488G>A on transcript NM_001109.5 (MANE Select); coding-DNA position 1488, G replaced by A.
Protein change: p.Thr496=; no amino-acid change (threonine 496 retained).
Molecular consequence: synonymous variant.
Genome position (GRCh38, 1-based): chr10:133,270,957, C>T on the plus strand (G>A on the coding strand, the complement: ADAM8 is on the minus strand). VCF-style: chr10-133270957-C-T. GRCh37 (hg19) VCF-style: chr10-135084461-C-T.
Other names: c.1488G>A, p.Thr496= (NM_001164489.2); c.1371G>A, p.Thr457= (NM_001164490.2).
Identifiers: ClinVar variation 2641005 (VCV002641005.24), dbSNP rs140754915, ClinGen allele CA5762714.